The following is an entry in ClinVar:

ClinVar aggregate classification (germline): Uncertain significance. Review status: criteria provided, multiple submitters, no conflicts (2 of 4 stars). 2 submissions from 2 submitters: Uncertain significance (2). Last evaluated 2025-03-01.

Allele frequency attached by ClinVar (database versions not stated): gnomAD exomes below 0.00001.

Submissions (2):

CeGaT Center for Human Genetics Tuebingen
Classification: Uncertain significance. Last evaluated: 2025-03-01. Review status: criteria provided, single submitter. Criteria: CeGaT Center For Human Genetics Tuebingen Variant Classification Criteria Version 2. Collection method: clinical testing. Allele origin: germline. Affected: yes. Observed: 2 variant alleles.
Comment: ELOVL4: PM2

Blueprint Genetics
Classification: Uncertain significance. Last evaluated: 2023-04-25. Review status: criteria provided, single submitter. Criteria: ACMG Guidelines, 2015. Collection method: clinical testing. Allele origin: germline.

NM_022726.4(ELOVL4):c.71A>G (p.Glu24Gly)

Gene: ELOVL4 (ELOVL fatty acid elongase 4; minus strand). Cytogenetic location: 6q14.1.
Variant type: single nucleotide variant.
Coding change: c.71A>G on transcript NM_022726.4 (MANE Select); coding-DNA position 71, A replaced by G.
Protein change: p.Glu24Gly; replaces glutamic acid 24 with glycine.
Molecular consequence: missense variant.
Genome position (GRCh38, 1-based): chr6:79,947,209, T>C on the plus strand (A>G on the coding strand, the complement: ELOVL4 is on the minus strand). VCF-style: chr6-79947209-T-C. GRCh37 (hg19) VCF-style: chr6-80656926-T-C.
Other names: short protein forms E24G.
Identifiers: ClinVar variation 3250659 (VCV003250659.19), dbSNP rs1434713204.